The following is an entry in ClinVar:

NM_013444.4(UBQLN2):c.1203G>C (p.Gln401His)

Gene: UBQLN2 (ubiquilin 2; plus strand). Cytogenetic location: Xp11.21.
Variant type: single nucleotide variant.
Coding change: c.1203G>C on transcript NM_013444.4 (MANE Select); coding-DNA position 1203, G replaced by C.
Protein change: p.Gln401His; replaces glutamine 401 with histidine.
Molecular consequence: missense variant.
Genome position (GRCh38, 1-based): chrX:56,565,076, G>C. VCF-style: chrX-56565076-G-C. GRCh37 (hg19) VCF-style: chrX-56591509-G-C.
Other names: short protein forms Q401H.
Identifiers: ClinVar variation 4823110 (VCV004823110.4).

ClinVar aggregate classification (germline): Uncertain significance (1 of 4 stars; one submission).

Submission:

CeGaT Center for Human Genetics Tuebingen
Classification: Uncertain significance. Last evaluated: 2026-03-01. Review status: criteria provided, single submitter. Criteria: CeGaT Center For Human Genetics Tuebingen Variant Classification Criteria Version 2. Collection method: clinical testing. Allele origin: germline. Affected: yes. Observed: 1 variant allele.
Comment: UBQLN2: PM2